The following is an entry in ClinVar:

ClinVar aggregate classification (germline): Likely pathogenic (1 of 4 stars; one submission).

Submission:

Labcorp Genetics (formerly Invitae), Labcorp
Classification: Likely pathogenic. Last evaluated: 2021-06-11. Review status: criteria provided, single submitter. Criteria: Invitae Variant Classification Sherloc (09022015). Collection method: clinical testing. Allele origin: germline.
Comment: In summary, the currently available evidence indicates that the variant is pathogenic, but additional data are needed to prove that conclusively. Therefore, this variant has been classified as Likely Pathogenic. Loss-of-function variants in EYS are known to be pathogenic (PMID: 18836446, 20333770). This variant has not been reported in the literature in individuals with EYS-related conditions. This variant results in a copy number gain of the genomic region encompassing exons 29-31 of the EYS gene. While the exact position of this variant cannot be determined from this data, sub-genic copy number gains are generally in tandem (PMID: 25640679) and may result in an absent or disrupted protein product.

Literature cited by the submitters: PubMed 18836446; PubMed 20333770; PubMed 25640679.

NC_000006.11:g.(?_64940475)_(65098743_?)dup

Gene: EYS (eyes shut homolog; minus strand). Cytogenetic location: 6q12.
Variant type: Duplication.
Identifiers: ClinVar variation 1066060 (VCV001066060.5).